The following is an entry in ClinVar:

ClinVar aggregate classification (germline): Uncertain significance. Review status: criteria provided, multiple submitters, no conflicts (2 of 4 stars). 3 submissions from 3 submitters: Uncertain significance (3). Last evaluated 2021-12-14.

Conditions:
Ataxia-telangiectasia-like disorder (ATLD). Identifiers: MedGen C1858391, MONDO:0011457.
Hereditary cancer-predisposing syndrome. Also called: Hereditary neoplastic syndrome; Neoplastic Syndromes, Hereditary; Tumor predisposition; Hereditary Cancer Syndrome. Identifiers: Orphanet 140162, MedGen C0027672, MeSH D009386, MONDO:0015356.
Ataxia-telangiectasia-like disorder 1 (ATLD1). Identifiers: Orphanet 251347, MedGen C4012790, MONDO:0024557, OMIM 604391.

Allele frequency attached by ClinVar (database versions not stated): gnomAD exomes below 0.00001; gnomAD 0.00001; TOPMed 0.00002.
gnomAD v4.1: 7 of 1,611,940 alleles (0.00043%); highest among the groups gnomAD compares: Non-Finnish European, 0.00059%; no homozygotes.

Submissions (3):

Labcorp Genetics (formerly Invitae), Labcorp
Classification: Uncertain significance for Ataxia-telangiectasia-like disorder. Last evaluated: 2021-12-14. Review status: criteria provided, single submitter. Criteria: Invitae Variant Classification Sherloc (09022015). Collection method: clinical testing. Allele origin: germline.
Comment: This missense change has been observed in individual(s) with ataxia-telangiectasia-like disorder (PMID: 31033087). In summary, the available evidence is currently insufficient to determine the role of this variant in disease. Therefore, it has been classified as a Variant of Uncertain Significance. Variants that disrupt the consensus splice site are a relatively common cause of aberrant splicing (PMID: 17576681, 9536098). Studies have shown that this variant is associated with altered splicing, but the impact on the resulting protein product is unknown (PMID: 31033087). Algorithms developed to predict the effect of missense changes on protein structure and function are either unavailable or do not agree on the potential impact of this missense change (SIFT: "Deleterious"; PolyPhen-2: "Probably Damaging"; Align-GVGD: "Class C15"). This variant is present in population databases (no rsID available, gnomAD 0.007%). This sequence change replaces glycine, which is neutral and non-polar, with arginine, which is basic and polar, at codon 182 of the MRE11 protein (p.Gly182Arg). This variant also falls at the last nucleotide of exon 6, which is part of the consensus splice site for this exon.

Baylor Genetics
Classification: Uncertain significance for Ataxia-telangiectasia-like disorder 1. Last evaluated: 2021-10-13. Review status: criteria provided, single submitter. Criteria: ACMG Guidelines, 2015. Collection method: clinical testing. Allele origin: unknown.

Ambry Genetics
Classification: Uncertain significance for Hereditary cancer-predisposing syndrome. Last evaluated: 2015-10-23. Review status: criteria provided, single submitter. Criteria: Ambry Variant Classification Scheme 2023. Collection method: clinical testing. Allele origin: germline.
Comment: The p.G182R variant (also known as c.544G>A), located in coding exon 5 of the MRE11A gene, results from a G to A substitution at nucleotide position 544. The amino acid change results in glycine to arginine at codon 182, an amino acid with dissimilar properties. This change occurs in the last base pair of coding exon 5, which makes it possible to have some effect on normal mRNA splicing. This variant was not reported in population based cohorts in the following databases: Database of Single Nucleotide Polymorphisms (dbSNP), NHLBI Exome Sequencing Project (ESP), and 1000 Genomes Project. In the ESP, this variant was not observed in 6499 samples (12998 alleles) with coverage at this position. To date, this alteration has been detected with an allele frequency of approximately 0.0005% (greater than 175000 alleles tested) in our clinical cohort. This amino acid position is highly conserved in available vertebrate species. Using the BDGP and ESEfinder splice site prediction tools, this alteration is predicted to weaken the efficiency of the native splice donor site; however, direct evidence is unavailable. In addition, this alteration is predicted to be deleterious by in silico analysis. Since supporting evidence is limited at this time, the clinical significance of p.G182R remains unclear.

Literature cited by the submitters: PubMed 31033087 (cited by Labcorp Genetics (formerly Invitae), Labcorp); PubMed 17576681 (cited by Labcorp Genetics (formerly Invitae), Labcorp); PubMed 9536098 (cited by Labcorp Genetics (formerly Invitae), Labcorp).

NM_005591.4(MRE11):c.544G>A (p.Gly182Arg)

Gene: MRE11 (MRE11 double strand break repair nuclease; minus strand). Cytogenetic location: 11q21.
Variant type: single nucleotide variant.
Coding change: c.544G>A on transcript NM_005591.4 (MANE Select); coding-DNA position 544, G replaced by A.
Protein change: p.Gly182Arg; replaces glycine 182 with arginine.
Molecular consequence: missense variant.
Genome position (GRCh38, 1-based): chr11:94,478,735, C>T on the plus strand (G>A on the coding strand, the complement: MRE11 is on the minus strand). VCF-style: chr11-94478735-C-T. GRCh37 (hg19) VCF-style: chr11-94211901-C-T.
Other names: c.544G>A, p.Gly182Arg (NM_005590.4, NM_001330347.2); short protein forms G182R.
Identifiers: ClinVar variation 1681622 (VCV001681622.9), dbSNP rs1446077946, ClinGen allele CA382377206.
Genomic context (GRCh38, chr11:94,478,735, plus strand): 5'-ATTTCTCAATTGTTTAAAGAATCACACATGGACATAAACAGTAAAATAAAACTGTCTTAC[C>T]TAAACCATATAGCGCAATCTTTGTGCTTCCTTTTTGAAGCAAAACCGGACTAATGTCTAT-3'
Protein context (NP_005582.1, residues 172-192): GSTKIALYGL[Gly182Arg]SIPDERLYRM